The following is an entry in ClinVar:

NM_001130987.2(DYSF):c.695T>A (p.Ile232Asn)

Gene: DYSF (dysferlin; plus strand). Cytogenetic location: 2p13.2.
Variant type: single nucleotide variant.
Coding change: c.695T>A on transcript NM_001130987.2 (MANE Select); coding-DNA position 695, T replaced by A.
Protein change: p.Ile232Asn; replaces isoleucine 232 with asparagine.
Molecular consequence: missense variant.
Genome position (GRCh38, 1-based): chr2:71,513,857, T>A. VCF-style: chr2-71513857-T-A. GRCh37 (hg19) VCF-style: chr2-71740987-T-A.
Other names: c.602T>A, p.Ile201Asn (NM_001130455.2, NM_001130983.2, NM_001130984.2 and 1 more transcripts); c.599T>A, p.Ile200Asn (NM_001130976.2, NM_001130977.2, NM_001130978.2 and 1 more transcripts); c.692T>A, p.Ile231Asn (NM_001130979.2, NM_001130980.2, NM_001130981.2); c.695T>A, p.Ile232Asn (NM_001130982.2, NM_001130985.2); short protein forms I200N, I201N, I231N, I232N.
Identifiers: ClinVar variation 1005398 (VCV001005398.8), dbSNP rs1388145373, ClinGen allele CA347207375.

ClinVar aggregate classification (germline): Uncertain significance (1 of 4 stars; one submission).

Conditions:
Neuromuscular disease caused by qualitative or quantitative defects of dysferlin. Also called: Qualitative or quantitative defects of dysferlin; Dysferlinopathy. Identifiers: Orphanet 207073, MedGen C2931687, MONDO:0016145.

Submission:

Labcorp Genetics (formerly Invitae), Labcorp
Classification: Uncertain significance for Neuromuscular disease caused by qualitative or quantitative defects of dysferlin. Last evaluated: 2022-07-05. Review status: criteria provided, single submitter. Criteria: Invitae Variant Classification Sherloc (09022015). Collection method: clinical testing. Allele origin: germline.
Comment: In summary, the available evidence is currently insufficient to determine the role of this variant in disease. Therefore, it has been classified as a Variant of Uncertain Significance. Advanced modeling of protein sequence and biophysical properties (such as structural, functional, and spatial information, amino acid conservation, physicochemical variation, residue mobility, and thermodynamic stability) performed at Invitae indicates that this missense variant is not expected to disrupt DYSF protein function. ClinVar contains an entry for this variant (Variation ID: 1005398). This variant has not been reported in the literature in individuals affected with DYSF-related conditions. This variant is not present in population databases (gnomAD no frequency). This sequence change replaces isoleucine, which is neutral and non-polar, with asparagine, which is neutral and polar, at codon 200 of the DYSF protein (p.Ile200Asn).